The following is an entry in ClinVar:

NM_001204.7(BMPR2):c.2417T>C (p.Met806Thr)

Gene: BMPR2 (bone morphogenetic protein receptor type 2; plus strand). Cytogenetic location: 2q33.2.
Variant type: single nucleotide variant.
Coding change: c.2417T>C on transcript NM_001204.7 (MANE Select); coding-DNA position 2417, T replaced by C.
Protein change: p.Met806Thr; replaces methionine 806 with threonine.
Molecular consequence: missense variant.
Genome position (GRCh38, 1-based): chr2:202,556,082, T>C. VCF-style: chr2-202556082-T-C. GRCh37 (hg19) VCF-style: chr2-203420805-T-C.
Other names: short protein forms M806T.
Identifiers: ClinVar variation 4214490 (VCV004214490.1).
Genomic context (GRCh38, chr2:202,556,082, plus strand): 5'-CTGGAGTTGCCAAGATGAATACAATCAATGCAGCAGAACCTCATGTGGTGACAGTCACCA[T>C]GAATGGTGTGGCAGGTAGAAACCACAGTGTTAACTCCCATGCTGCCACAACCCAATATGC-3'
Protein context (NP_001195.2, residues 796-816): AAEPHVVTVT[Met806Thr]NGVAGRNHSV

ClinVar aggregate classification (germline): Uncertain significance (1 of 4 stars; one submission).

Conditions:
Inborn genetic diseases. Identifiers: MedGen C0950123, MeSH D030342.

gnomAD v4.1: 1 of 1,614,168 alleles (0.000062%); highest among the groups gnomAD compares: South Asian, 0.0011%; no homozygotes.

Submission:

Ambry Genetics
Classification: Uncertain significance for Inborn genetic diseases. Last evaluated: 2025-08-08. Review status: criteria provided, single submitter. Criteria: Ambry Variant Classification Scheme 2023. Collection method: clinical testing. Allele origin: germline.
Comment: The p.M806T variant (also known as c.2417T>C), located in coding exon 12 of the BMPR2 gene, results from a T to C substitution at nucleotide position 2417. The methionine at codon 806 is replaced by threonine, an amino acid with similar properties. This amino acid position is conserved. In addition, this alteration is predicted to be tolerated by in silico analysis. Based on the available evidence, the clinical significance of this variant remains unclear.